The following is an entry in ClinVar:

NM_006000.3(TUBA4A):c.1312G>A (p.Asp438Asn)

Gene: TUBA4A (tubulin alpha 4a; minus strand). Cytogenetic location: 2q35.
Variant type: single nucleotide variant.
Coding change: c.1312G>A on transcript NM_006000.3 (MANE Select); coding-DNA position 1312, G replaced by A.
Protein change: p.Asp438Asn; replaces aspartic acid 438 with asparagine.
Molecular consequence: missense variant.
Genome position (GRCh38, 1-based): chr2:219,250,387, C>T on the plus strand (G>A on the coding strand, the complement: TUBA4A is on the minus strand). VCF-style: chr2-219250387-C-T. GRCh37 (hg19) VCF-style: chr2-220115109-C-T.
Other names: p.Asp438Asn; c.1267G>A, p.Asp423Asn (NM_001278552.2); short protein forms D423N, D438N.
Identifiers: ClinVar variation 3379424 (VCV003379424.1).

ClinVar aggregate classification (germline): Uncertain significance (1 of 4 stars; one submission).

Submission:

Mayo Clinic Laboratories, Mayo Clinic
Classification: Uncertain significance. Last evaluated: 2024-07-22. Review status: criteria provided, single submitter. Criteria: ACMG Guidelines, 2015. Collection method: clinical testing. Allele origin: germline. Observed: 1 variant allele.
Comment: BS2, PP2, PM2

Literature cited by the submitters: PubMed 25893256; PubMed 35896380.